The following is an entry in ClinVar:

NM_006009.4(TUBA1A):c.449C>T (p.Thr150Ile)

Gene: TUBA1A (tubulin alpha 1a; minus strand). Cytogenetic location: 12q13.12.
Variant type: single nucleotide variant.
Coding change: c.449C>T on transcript NM_006009.4 (MANE Select); coding-DNA position 449, C replaced by T.
Protein change: p.Thr150Ile; replaces threonine 150 with isoleucine.
Molecular consequence: missense variant.
Genome position (GRCh38, 1-based): chr12:49,185,917, G>A on the plus strand (C>T on the coding strand, the complement: TUBA1A is on the minus strand). VCF-style: chr12-49185917-G-A. GRCh37 (hg19) VCF-style: chr12-49579700-G-A.
Other names: c.449C>T, p.Thr150Ile (NM_001270399.2); c.344C>T, p.Thr115Ile (NM_001270400.2); short protein forms T150I, T115I.
Identifiers: ClinVar variation 625509 (VCV000625509.13), dbSNP rs1565627339, ClinGen allele CA384642536.

ClinVar aggregate classification (germline): Conflicting classifications of pathogenicity. Review status: criteria provided, conflicting classifications (1 of 4 stars). 4 submissions from 4 submitters: Pathogenic (2); Likely pathogenic (1); Uncertain significance (1). Last evaluated 2021-01-30.

Conditions:
Tubulinopathy. Also called: Tubulinopathies. Identifiers: MedGen CN850169, MONDO:0100153.
Lissencephaly due to TUBA1A mutation (CDCBM16). Also called: Lissencephaly 3; CORTICAL DYSPLASIA, COMPLEX, WITH OTHER BRAIN MALFORMATIONS 16. Identifiers: Orphanet 171680, MedGen C4305153, MONDO:0012703, OMIM 611603.

Submissions (4):

Labcorp Genetics (formerly Invitae), Labcorp
Classification: Uncertain significance. Last evaluated: 2021-01-30. Review status: criteria provided, single submitter. Criteria: Invitae Variant Classification Sherloc (09022015). Collection method: clinical testing. Allele origin: germline.
Comment: Algorithms developed to predict the effect of missense changes on protein structure and function (SIFT, PolyPhen-2, Align-GVGD) all suggest that this variant is likely to be disruptive, but these predictions have not been confirmed by published functional studies and their clinical significance is uncertain. This variant has been observed in individual(s) with clinical features of tubulin-related cortical malformations (PMID: 28677066). In at least one individual the variant was observed to be de novo. ClinVar contains an entry for this variant (Variation ID: 625509). This variant is not present in population databases (ExAC no frequency). This sequence change replaces threonine with isoleucine at codon 150 of the TUBA1A protein (p.Thr150Ile). The threonine residue is highly conserved and there is a moderate physicochemical difference between threonine and isoleucine. In summary, the available evidence is currently insufficient to determine the role of this variant in disease. Therefore, it has been classified as a Variant of Uncertain Significance.

Victorian Clinical Genetics Services, Murdoch Childrens Research Institute
Classification: Likely pathogenic for Lissencephaly due to TUBA1A mutation. Last evaluated: 2020-05-25. Review status: criteria provided, single submitter. Criteria: ACMG Guidelines, 2015. Collection method: clinical testing. Allele origin: germline. Inheritance: Autosomal dominant inheritance.
Comment: Based on the classification scheme VCGS_Germline_v1.1.1, this variant is classified as Likely pathogenic. Following criteria are met: 0102 - Loss-of-function is a known mechanism of disease for this gene. (N) 0104 - Dominant Negative is a mechanism of disease for this gene. (N) 0107 - This gene is known to be associated with autosomal dominant disease. (N) 0200 - Variant is predicted to result in a missense amino acid change from threonine to isoleucine (exon 4). (N) 0251 - Variant is heterozygous. (N) 0301 - Variant is absent from gnomAD. (P) 0502 - Missense variant with conflicting in silico predictions. (N) 0600 - Variant is located in an annotated domain or motif (tubulin domain; PDB). (N) 0603 - Missense variant in a region that is highly intolerant to missense variation (high constraint region). (P) 0705 - No comparable variants have previous evidence for pathogenicity. (N) 0802 - Moderate previous evidence of pathogenicity in unrelated individuals. This variant has been reported as a de novo mutation in an identical twin-pair with cerebellar dysplasia (PMID:28677066; ClinVar). (P) 0905 - No segregation evidence has been identified for this variant. (N) 1007 - No published functional evidence has been identified for this variant. (N) 1102 - Strong phenotype match. (P) 1208 - Inheritance information for this variant is not currently available. (N) Legend: (P) - Pathogenic, (N) - Neutral, (B) - Benign

GeneDx
Classification: Pathogenic. Last evaluated: 2019-06-29. Review status: criteria provided, single submitter. Criteria: GeneDx Variant Classification Process June 2021. Collection method: clinical testing. Allele origin: germline. Affected: yes.
Comment: Not observed in large population cohorts (Lek et al., 2016); The majority of missense variants in this gene are considered pathogenic (Stenson et al., 2014); In silico analysis, which includes protein predictors and evolutionary conservation, supports a deleterious effect; This variant is associated with the following publications: (PMID: 30744660, 28677066)

Institute of Human Genetics, FAU Erlangen, Friedrich-Alexander-Universität Erlangen-Nürnberg
Classification: Pathogenic for Tubulinopathies. Last evaluated: 2018-07-01. Review status: criteria provided, single submitter. Criteria: ACMG Guidelines, 2015. Collection method: literature only. Allele origin: de novo. Affected: yes. Observed: 2 variant alleles.
Comment: The c.449C>T, p.(Thr150Ile) variant has been reported as a variant of de novo origin. This variant and associated phenotype was previously reported by Romaniello et al. Eur Radiol, 2017 PMID: 28677066. HPO-standardized clinical features were: Hypoplasia of the corpus callosum (HP:0002079); Perisylvian polymicrogyria (HP:0012650); Cerebellar vermis hypoplasia (HP:0001320); Brainstem dysplasia (HP:0002508); Dilated fourth ventricle (HP:0002198); Congenital microcephaly (HP:0011451); Muscular hypotonia (HP:0001252); no Seizures (-HP:0001250); Strabismus, Nystagmus (HP:0000486, HP:0000639)

Literature cited by the submitters: PubMed 28677066 (cited by Labcorp Genetics (formerly Invitae), Labcorp and Victorian Clinical Genetics Services, Murdoch Childrens Research Institute); PubMed 30744660 (cited by Institute of Human Genetics, FAU Erlangen, Friedrich-Alexander-Universität Erlangen-Nürnberg); DOI 10.1101/427948 (cited by Institute of Human Genetics, FAU Erlangen, Friedrich-Alexander-Universität Erlangen-Nürnberg).